The following is an entry in ClinVar:

NC_000004.11:g.(?_1795662)_(1941525_?)dup

Genes: FGFR3 (fibroblast growth factor receptor 3; plus strand), LETM1 (leucine zipper and EF-hand containing transmembrane protein 1; minus strand), NSD2 (nuclear receptor binding SET domain protein 2; plus strand). Cytogenetic location: 4p16.3.
Variant type: Duplication.
Identifiers: ClinVar variation 3246774 (VCV003246774.1).

ClinVar aggregate classification (germline): Uncertain significance (1 of 4 stars; one submission).

Submission:

Labcorp Genetics (formerly Invitae), Labcorp
Classification: Uncertain significance. Last evaluated: 2022-08-22. Review status: criteria provided, single submitter. Criteria: Invitae Variant Classification Sherloc (09022015). Collection method: clinical testing. Allele origin: unknown.
Comment: In summary, the available evidence is currently insufficient to determine the role of this variant in disease. Therefore, it has been classified as a Variant of Uncertain Significance. This variant has not been reported in the literature in individuals affected with WHSC1-related conditions. This variant results in a copy number gain of the genomic region encompassing exon(s) 1-11 of the WHSC1 gene. This region includes the initiator codon of the gene. This copy number gain extends beyond the assayed region for this gene and therefore may encompass additional genes. As the precise location of this event is unknown, it may be in tandem or it may be located elsewhere in the genome.